The following is an entry in ClinVar:

NM_001371986.1(UNC80):c.298+1G>A

Gene: UNC80 (unc-80 subunit of NALCN channel complex; plus strand). Cytogenetic location: 2q34.
Variant type: single nucleotide variant.
Coding change: c.298+1G>A on transcript NM_001371986.1 (MANE Select); the canonical splice donor site of the intron after coding-DNA position 298, G replaced by A.
Molecular consequence: splice donor variant.
Genome position (GRCh38, 1-based): chr2:209,776,046, G>A. VCF-style: chr2-209776046-G-A. GRCh37 (hg19) VCF-style: chr2-210640770-G-A.
Other names: c.298+1G>A (NM_032504.2, NM_182587.4).
Identifiers: ClinVar variation 4711143 (VCV004711143.1).

ClinVar aggregate classification (germline): Likely pathogenic (1 of 4 stars; one submission).

Submission:

Labcorp Genetics (formerly Invitae), Labcorp
Classification: Likely pathogenic. Last evaluated: 2025-03-30. Review status: criteria provided, single submitter. Criteria: Invitae Variant Classification Sherloc (09022015). Collection method: clinical testing. Allele origin: germline.
Comment: This sequence change affects a donor splice site in intron 3 of the UNC80 gene. It is expected to disrupt RNA splicing. Variants that disrupt the donor or acceptor splice site typically lead to a loss of protein function (PMID: 16199547), and loss-of-function variants in UNC80 are known to be pathogenic (PMID: 26545877, 26708751, 26708753). This variant is not present in population databases (gnomAD no frequency). This variant has not been reported in the literature in individuals affected with UNC80-related conditions. Algorithms developed to predict the effect of sequence changes on RNA splicing suggest that this variant may disrupt the consensus splice site. In summary, the currently available evidence indicates that the variant is pathogenic, but additional data are needed to prove that conclusively. Therefore, this variant has been classified as Likely Pathogenic.

Literature cited by the submitters: PubMed 16199547; PubMed 26545877; PubMed 26708751; PubMed 26708753.